The following is an entry in ClinVar:

ClinVar aggregate classification (germline): Conflicting classifications of pathogenicity. Review status: criteria provided, conflicting classifications (1 of 4 stars). 4 submissions from 4 submitters: Uncertain significance (2); Likely benign (1). 1 of the submissions does not count toward it. Last evaluated 2025-11-12.

Conditions:
PPP1R15B-related disorder. Also called: PPP1R15B-related condition.

Allele frequency attached by ClinVar (database versions not stated): ESP Exome Variant Server 0.00008; gnomAD 0.00024 and 0.00027; TOPMed 0.00031; ExAC 0.00033; gnomAD exomes 0.00045.

Submissions (4):

Labcorp Genetics (formerly Invitae), Labcorp
Classification: Likely benign. Last evaluated: 2025-11-12. Review status: criteria provided, single submitter. Criteria: Invitae Variant Classification Sherloc (09022015). Collection method: clinical testing. Allele origin: germline.

CeGaT Center for Human Genetics Tuebingen
Classification: Uncertain significance. Last evaluated: 2017-07-01. Review status: criteria provided, single submitter. Criteria: CeGaT Center For Human Genetics Tuebingen Variant Classification Criteria Version 2. Collection method: clinical testing. Allele origin: germline. Affected: yes. Observed: 1 variant allele.

Breakthrough Genomics
Classification: Uncertain significance. Review status: criteria provided, single submitter. Criteria: ACMG Guidelines, 2015. Collection method: not provided. Allele origin: germline. Inheritance: Autosomal recessive inheritance. Affected: yes.

PreventionGenetics, part of Exact Sciences
Classification: Likely benign for PPP1R15B-related condition. Last evaluated: 2024-01-21. Review status: no assertion criteria provided. Collection method: clinical testing. Allele origin: germline. Not counted in ClinVar's aggregate classification.
Comment: This variant is classified as likely benign based on ACMG/AMP sequence variant interpretation guidelines (Richards et al. 2015 PMID: 25741868, with internal and published modifications).

NM_032833.5(PPP1R15B):c.308A>G (p.Tyr103Cys)

Gene: PPP1R15B (protein phosphatase 1 regulatory subunit 15B; minus strand). Cytogenetic location: 1q32.1.
Variant type: single nucleotide variant.
Coding change: c.308A>G on transcript NM_032833.5 (MANE Select); coding-DNA position 308, A replaced by G.
Protein change: p.Tyr103Cys; replaces tyrosine 103 with cysteine.
Molecular consequence: missense variant.
Genome position (GRCh38, 1-based): chr1:204,411,104, T>C on the plus strand (A>G on the coding strand, the complement: PPP1R15B is on the minus strand). VCF-style: chr1-204411104-T-C. GRCh37 (hg19) VCF-style: chr1-204380232-T-C.
Other names: c.308A>G (NM_032833.4); short protein forms Y103C.
Identifiers: ClinVar variation 807903 (VCV000807903.48), dbSNP rs137955986, ClinGen allele CA1346846.